The following is an entry in ClinVar:

ClinVar aggregate classification (germline): Pathogenic (1 of 4 stars; one submission).

Submission:

Labcorp Genetics (formerly Invitae), Labcorp
Classification: Pathogenic. Last evaluated: 2021-10-04. Review status: criteria provided, single submitter. Criteria: Invitae Variant Classification Sherloc (09022015). Collection method: clinical testing. Allele origin: germline.
Comment: For these reasons, this variant has been classified as Pathogenic. This variant has not been reported in the literature in individuals affected with ADGRV1-related conditions. This variant is a gross deletion of the genomic region encompassing exon(s) 86-87 of the ADGRV1 gene. This deletion is out-of-frame, and is expected to create a premature translational stop signal and result in an absent or disrupted protein product. Loss-of-function variants in ADGRV1 are known to be pathogenic (PMID: 19357117, 22135276, 22147658, 26226137, 26667666, 30029497, 32467589).

Literature cited by the submitters: PubMed 19357117; PubMed 22135276; PubMed 22147658; PubMed 26226137; PubMed 26667666; PubMed 30029497; PubMed 32467589.

NC_000005.9:g.(?_90368244)_(90398177_?)del

Gene: ADGRV1 (adhesion G protein-coupled receptor V1; plus strand). Cytogenetic location: 5q14.3.
Variant type: Deletion.
Identifiers: ClinVar variation 1375760 (VCV001375760.4).